The following is an entry in ClinVar:

NM_000020.3(ACVRL1):c.1147G>A (p.Glu383Lys)

Gene: ACVRL1 (activin A receptor like type 1; plus strand). Cytogenetic location: 12q13.13.
Variant type: single nucleotide variant.
Coding change: c.1147G>A on transcript NM_000020.3 (MANE Select); coding-DNA position 1147, G replaced by A.
Protein change: p.Glu383Lys; replaces glutamic acid 383 with lysine.
Molecular consequence: missense variant. On other transcripts: intron variant (1).
Genome position (GRCh38, 1-based): chr12:51,916,134, G>A. VCF-style: chr12-51916134-G-A. GRCh37 (hg19) VCF-style: chr12-52309918-G-A.
Other names: c.1147G>A, p.Glu383Lys (NM_001077401.2, NM_001406487.1, NM_001406488.1 and 1 more transcripts); c.835G>A, p.Glu279Lys (NM_001406490.1, NM_001406491.1, NM_001406492.1 and 1 more transcripts); c.583G>A, p.Glu195Lys (NM_001406495.1); c.736+634G>A (NM_001406494.1); short protein forms E279K, E383K, E195K.
Identifiers: ClinVar variation 3574955 (VCV003574955.2).
Genomic context (GRCh38, chr12:51,916,134, plus strand): 5'-GACATCGGCAACAACCCGAGAGTGGGCACCAAGCGGTACATGGCACCCGAGGTGCTGGAC[G>A]AGCAGATCCGCACGGACTGCTTTGAGTCCTACAAGTGGACTGACATCTGGGCCTTTGGCC-3'
Protein context (NP_000011.2, residues 373-393): KRYMAPEVLD[Glu383Lys]QIRTDCFESY

ClinVar aggregate classification (germline): Uncertain significance. Review status: criteria provided, multiple submitters, no conflicts (2 of 4 stars). 2 submissions from 2 submitters: Uncertain significance (2). Last evaluated 2025-03-07.

Conditions:
Telangiectasia, hereditary hemorrhagic, type 2 (HHT2). Also called: ACVRL1-Related Hereditary Hemorrhagic Telangiectasia; Telangiectasia, hereditary hemorrhagic, type II. Identifiers: Orphanet 774, MedGen C1838163, MONDO:0010880, OMIM 600376. Disease mechanism: loss of function.

Submissions (2):

Labcorp Genetics (formerly Invitae), Labcorp
Classification: Uncertain significance for Telangiectasia, hereditary hemorrhagic, type 2. Last evaluated: 2025-03-07. Review status: criteria provided, single submitter. Criteria: Invitae Variant Classification Sherloc (09022015). Collection method: clinical testing. Allele origin: germline.
Comment: This sequence change replaces glutamic acid, which is acidic and polar, with lysine, which is basic and polar, at codon 383 of the ACVRL1 protein (p.Glu383Lys). This variant is present in population databases (rs148057374, gnomAD 0.003%). This variant has not been reported in the literature in individuals affected with ACVRL1-related conditions. ClinVar contains an entry for this variant (Variation ID: 3574955). Invitae Evidence Modeling of protein sequence and biophysical properties (such as structural, functional, and spatial information, amino acid conservation, physicochemical variation, residue mobility, and thermodynamic stability) has been performed for this missense variant. However, the output from this modeling did not meet the statistical confidence thresholds required to predict the impact of this variant on ACVRL1 protein function. In summary, the available evidence is currently insufficient to determine the role of this variant in disease. Therefore, it has been classified as a Variant of Uncertain Significance.

Fulgent Genetics
Classification: Uncertain significance for Telangiectasia, hereditary hemorrhagic, type 2. Last evaluated: 2024-05-10. Review status: criteria provided, single submitter. Criteria: ACMG Guidelines, 2015. Collection method: clinical testing. Allele origin: germline.